The following is an entry in ClinVar:

NM_024652.6(LRRK1):c.1282-4_1282-3del

Gene: LRRK1 (leucine rich repeat kinase 1; plus strand). Cytogenetic location: 15q26.3.
Variant type: Deletion.
Coding change: c.1282-4_1282-3del on transcript NM_024652.6 (MANE Select); 4 bases into the intron before coding-DNA position 1282 through 3 bases into the intron before coding-DNA position 1282, 2 bases deleted (TT; older notation c.1282-4_1282-3delTT).
Molecular consequence: intron variant.
Genome position (GRCh38, 1-based): chr15:101,012,004-101,012,005, TT deleted. VCF-style (leftmost placement, unchanged base first): chr15-101012003-CTT-C. GRCh37 (hg19) VCF-style: chr15-101552208-CTT-C.
Identifiers: ClinVar variation 2003569 (VCV002003569.4), dbSNP rs1234834746, ClinGen allele CA620123856.

ClinVar aggregate classification (germline): Uncertain significance (1 of 4 stars; one submission).

Allele frequency attached by ClinVar (database versions not stated): gnomAD exomes below 0.00001; gnomAD 0.00001; TOPMed 0.00001.

Submission:

Labcorp Genetics (formerly Invitae), Labcorp
Classification: Uncertain significance. Last evaluated: 2023-02-02. Review status: criteria provided, single submitter. Criteria: Invitae Variant Classification Sherloc (09022015). Collection method: clinical testing. Allele origin: germline.
Comment: In summary, the available evidence is currently insufficient to determine the role of this variant in disease. Therefore, it has been classified as a Variant of Uncertain Significance. Variants that disrupt the consensus splice site are a relatively common cause of aberrant splicing (PMID: 17576681, 9536098). Algorithms developed to predict the effect of sequence changes on RNA splicing suggest that this variant is not likely to affect RNA splicing. This variant has not been reported in the literature in individuals affected with LRRK1-related conditions. This variant is present in population databases (no rsID available, gnomAD 0.01%). This sequence change falls in intron 9 of the LRRK1 gene. It does not directly change the encoded amino acid sequence of the LRRK1 protein. It affects a nucleotide within the consensus splice site.

Literature cited by the submitters: PubMed 17576681; PubMed 9536098.